The following is an entry in ClinVar:

ClinVar aggregate classification (germline): Uncertain significance (1 of 4 stars; one submission).

gnomAD v4.1: 1 of 1,599,384 alleles (0.000063%); highest among the groups gnomAD compares: South Asian, 0.0011%; no homozygotes.

Submission:

GeneDx
Classification: Uncertain significance. Last evaluated: 2020-12-18. Review status: criteria provided, single submitter. Criteria: GeneDx Variant Classification Process June 2021. Collection method: clinical testing. Allele origin: germline. Affected: yes.
Comment: Not observed in large population cohorts (Lek et al., 2016); Missense variant in a gene in which most reported pathogenic variants are truncating/loss-of-function; Has not been previously published as pathogenic or benign to our knowledge

NM_001267550.2(TTN):c.16615G>A (p.Val5539Ile)

Gene: TTN (titin; minus strand). Cytogenetic location: 2q31.2.
Variant type: single nucleotide variant.
Coding change: c.16615G>A on transcript NM_001267550.2 (MANE Select); coding-DNA position 16615, G replaced by A.
Protein change: p.Val5539Ile; replaces valine 5539 with isoleucine.
Molecular consequence: missense variant. On other transcripts: intron variant (3).
Genome position (GRCh38, 1-based): chr2:178,732,446, C>T on the plus strand (G>A on the coding strand, the complement: TTN is on the minus strand). VCF-style: chr2-178732446-C-T. GRCh37 (hg19) VCF-style: chr2-179597173-C-T.
Other names: c.15664G>A, p.Val5222Ile (NM_001256850.1); c.12883G>A, p.Val4295Ile (NM_133378.4); c.13282+5636G>A (NM_003319.4); c.13858+5636G>A (NM_133437.4); c.13657+5636G>A (NM_133432.3); short protein forms V4295I, V5222I, V5539I.
Identifiers: ClinVar variation 1212600 (VCV001212600.3), dbSNP rs2154310288, ClinGen allele CA349582698.
Genomic context (GRCh38, chr2:178,732,446, plus strand): 5'-AGGAAAGAATTTATAACAAGGTTAGCACAAAGATGTCAAGAAAACAATGCAAACCTTTTA[C>T]AAACAAGTTTGCACTGCATTCCACCCCTCCAGCGACATTGCTGACTTTACATGTGTACGT-3'
Protein context (NP_001254479.2, residues 5529-5549): GGVECSANLF[Val5539Ile]KEPATFVEKL